The following is an entry in ClinVar:

ClinVar aggregate classification (germline): Uncertain significance (1 of 4 stars; one submission).

Submission:

GeneDx
Classification: Uncertain significance. Last evaluated: 2024-08-12. Review status: criteria provided, single submitter. Criteria: GeneDx Variant Classification Process June 2021. Collection method: clinical testing. Allele origin: germline. Affected: yes.
Comment: Not observed at significant frequency in large population cohorts (gnomAD); In silico analysis indicates that this missense variant does not alter protein structure/function; Has not been previously published as pathogenic or benign to our knowledge

NM_001256012.3(MYH10):c.1343A>G (p.His448Arg)

Gene: MYH10 (myosin heavy chain 10; minus strand). Cytogenetic location: 17p13.1.
Variant type: single nucleotide variant.
Coding change: c.1343A>G on transcript NM_001256012.3 (MANE Select); coding-DNA position 1343, A replaced by G.
Protein change: p.His448Arg; replaces histidine 448 with arginine.
Molecular consequence: missense variant.
Genome position (GRCh38, 1-based): chr17:8,545,536, T>C on the plus strand (A>G on the coding strand, the complement: MYH10 is on the minus strand). VCF-style: chr17-8545536-T-C. GRCh37 (hg19) VCF-style: chr17-8448854-T-C.
Other names: c.1340A>G, p.His447Arg (NM_001256095.2); c.1343A>G, p.His448Arg (NM_001375266.1); c.1313A>G, p.His438Arg (NM_005964.5); short protein forms H447R, H438R, H448R.
Identifiers: ClinVar variation 3731119 (VCV003731119.1).
Genomic context (GRCh38, chr17:8,545,536, plus strand): 5'-AGGATTCCAATGAAAGATGCTCCCTGACGTTTGGTCCTATCCAGAGCTTTATTGATGCGA[T>C]GAACGAGCCAGCGAAAGAGCCGCTCATAGGTAGCTTTTGCCAATGCTTCTACTGCAAAAT-3'
Protein context (NP_001242941.1, residues 438-458): TYERLFRWLV[His448Arg]RINKALDRTK